The following is an entry in ClinVar:

NM_000256.3(MYBPC3):c.2449C>G (p.Arg817Gly)

Gene: MYBPC3 (myosin binding protein C3; minus strand). Cytogenetic location: 11p11.2.
Variant type: single nucleotide variant.
Coding change: c.2449C>G on transcript NM_000256.3 (MANE Select); coding-DNA position 2449, C replaced by G.
Protein change: p.Arg817Gly; replaces arginine 817 with glycine.
Molecular consequence: missense variant.
Genome position (GRCh38, 1-based): chr11:47,337,544, G>C on the plus strand (C>G on the coding strand, the complement: MYBPC3 is on the minus strand). VCF-style: chr11-47337544-G-C. GRCh37 (hg19) VCF-style: chr11-47359095-G-C.
Other names: short protein forms R817G.
Identifiers: ClinVar variation 810770 (VCV000810770.6), dbSNP rs727503188, ClinGen allele CA380318398.

ClinVar aggregate classification (germline): Conflicting classifications of pathogenicity. Review status: criteria provided, conflicting classifications (1 of 4 stars). 3 submissions from 3 submitters: Likely pathogenic (1); Uncertain significance (2). Last evaluated 2023-06-23.

Conditions:
Cardiomyopathy (CMYO). Also called: Cardiomyopathies. Identifiers: Orphanet 167848, MedGen C0878544, MONDO:0004994, HP:0001638. Inheritance: Various modes of inheritance.
Hypertrophic cardiomyopathy 4. Also called: Familial hypertrophic cardiomyopathy 4. Identifiers: MedGen C1861862, MONDO:0007268, OMIM 115197.
Hypertrophic cardiomyopathy. Also called: HYPERTROPHIC MYOCARDIOPATHY. Identifiers: Orphanet 217569, MedGen C0007194, MeSH D002312, MONDO:0005045, HP:0001639.

Allele frequency attached by ClinVar (database versions not stated): TOPMed below 0.00001.
gnomAD v4.1: 1 of 1,613,960 alleles (0.000062%); highest among the groups gnomAD compares: East Asian, 0.0022%; no homozygotes.

Submissions (3):

Labcorp Genetics (formerly Invitae), Labcorp
Classification: Likely pathogenic for Hypertrophic cardiomyopathy. Last evaluated: 2023-06-23. Review status: criteria provided, single submitter. Criteria: Invitae Variant Classification Sherloc (09022015). Collection method: clinical testing. Allele origin: germline.
Comment: An algorithm developed to predict the effect of missense changes on protein structure and function (PolyPhen-2) suggests that this variant is likely to be disruptive. ClinVar contains an entry for this variant (Variation ID: 810770). This missense change has been observed in individuals with hypertrophic cardiomyopathy (PMID: 27600940, 27618852, 28790153, 33782553; Invitae). This variant is not present in population databases (gnomAD no frequency). This sequence change replaces arginine, which is basic and polar, with glycine, which is neutral and non-polar, at codon 817 of the MYBPC3 protein (p.Arg817Gly). In summary, the currently available evidence indicates that the variant is pathogenic, but additional data are needed to prove that conclusively. Therefore, this variant has been classified as Likely Pathogenic. This variant disrupts the p.Arg817 amino acid residue in MYBPC3. Other variant(s) that disrupt this residue have been determined to be pathogenic (PMID: 26914223, 27532257; Invitae). This suggests that this residue is clinically significant, and that variants that disrupt this residue are likely to be disease-causing.

Agnes Ginges Centre for Molecular Cardiology, Centenary Institute
Classification: Uncertain significance for Hypertrophic cardiomyopathy 4. Last evaluated: 2018-10-15. Review status: criteria provided, single submitter. Criteria: ACMG Guidelines, 2015. Collection method: research. Allele origin: germline. Inheritance: Autosomal dominant inheritance. Affected: yes.
Comment: This MYBPC3 Arg817Gly variant has been reported twice before in HCM probands (Galati , et al., 2016; Cecconi M, et al., 2016). This variant is rare and is absent in the Genome Aggregation Database. Computational tools SIFT, MutationTaster, PolyPhen-HCM and PolyPhen-2 predict this variant to have a deleterious effect. A different amino acid change at the same protein position (p.Arg817Gln) has been reported in HCM probands (SCV000059139.4), suggesting that an amino acid substitution at this site may not be tolerated. In summary, based on this evidence we classify MYBPC3 Arg817Gly as a variant of "uncertain significance".

CHEO Genetics Diagnostic Laboratory, Children's Hospital of Eastern Ontario
Classification: Uncertain significance for Cardiomyopathy. Last evaluated: 2018-06-28. Review status: criteria provided, single submitter. Criteria: ACMG Guidelines, 2015. Collection method: clinical testing. Allele origin: germline.

Literature cited by the submitters: PubMed 27600940 (cited by Labcorp Genetics (formerly Invitae), Labcorp and Agnes Ginges Centre for Molecular Cardiology, Centenary Institute); PubMed 27618852 (cited by Labcorp Genetics (formerly Invitae), Labcorp and Agnes Ginges Centre for Molecular Cardiology, Centenary Institute); PubMed 28790153 (cited by Labcorp Genetics (formerly Invitae), Labcorp and Agnes Ginges Centre for Molecular Cardiology, Centenary Institute); PubMed 33782553 (cited by Labcorp Genetics (formerly Invitae), Labcorp); PubMed 26914223 (cited by Labcorp Genetics (formerly Invitae), Labcorp); PubMed 27532257 (cited by Labcorp Genetics (formerly Invitae), Labcorp).